The following is an entry in ClinVar:

NM_001128840.3(CACNA1D):c.4717C>T (p.Leu1573Phe)

Gene: CACNA1D (calcium voltage-gated channel subunit alpha1 D; plus strand). Cytogenetic location: 3p21.1.
Variant type: single nucleotide variant.
Coding change: c.4717C>T on transcript NM_001128840.3 (MANE Select); coding-DNA position 4717, C replaced by T.
Protein change: p.Leu1573Phe; replaces leucine 1573 with phenylalanine.
Molecular consequence: missense variant.
Genome position (GRCh38, 1-based): chr3:53,781,592, C>T. VCF-style: chr3-53781592-C-T. GRCh37 (hg19) VCF-style: chr3-53815619-C-T.
Other names: c.4777C>T, p.Leu1593Phe (NM_000720.4); c.4672C>T, p.Leu1558Phe (NM_001128839.3); c.4777C>T (NM_000720.2); short protein forms L1558F, L1573F, L1593F.
Identifiers: ClinVar variation 1465740 (VCV001465740.11), dbSNP rs373600397, ClinGen allele CA2454970.

ClinVar aggregate classification (germline): Uncertain significance. Review status: criteria provided, multiple submitters, no conflicts (2 of 4 stars). 3 submissions from 3 submitters: Uncertain significance (3). Last evaluated 2025-10-27.

Conditions:
Inborn genetic diseases. Identifiers: MedGen C0950123, MeSH D030342.

Allele frequency attached by ClinVar (database versions not stated): ExAC 0.00001; gnomAD 0.00001; gnomAD exomes 0.00001 and 0.00003; TOPMed 0.00002; ESP Exome Variant Server 0.00008.
gnomAD v4.1: 48 of 1,613,788 alleles (0.003%); highest among the groups gnomAD compares: Non-Finnish European, 0.004%; no homozygotes.

Submissions (3):

Labcorp Genetics (formerly Invitae), Labcorp
Classification: Uncertain significance. Last evaluated: 2025-10-27. Review status: criteria provided, single submitter. Criteria: Invitae Variant Classification Sherloc (09022015). Collection method: clinical testing. Allele origin: germline.
Comment: This sequence change replaces leucine, which is neutral and non-polar, with phenylalanine, which is neutral and non-polar, at codon 1593 of the CACNA1D protein (p.Leu1593Phe). This variant is present in population databases (rs373600397, gnomAD 0.002%). This variant has not been reported in the literature in individuals affected with CACNA1D-related conditions. ClinVar contains an entry for this variant (Variation ID: 1465740). Invitae Evidence Modeling of protein sequence and biophysical properties (such as structural, functional, and spatial information, amino acid conservation, physicochemical variation, residue mobility, and thermodynamic stability) has been performed for this missense variant. However, the output from this modeling did not meet the statistical confidence thresholds required to predict the impact of this variant on CACNA1D protein function. In summary, the available evidence is currently insufficient to determine the role of this variant in disease. Therefore, it has been classified as a Variant of Uncertain Significance.

Revvity Omics, Revvity
Classification: Uncertain significance. Last evaluated: 2025-04-11. Review status: criteria provided, single submitter. Criteria: ACMG Guidelines, 2015. Collection method: clinical testing. Allele origin: germline.

Ambry Genetics
Classification: Uncertain significance for Inborn genetic diseases. Last evaluated: 2023-02-14. Review status: criteria provided, single submitter. Criteria: Ambry Variant Classification Scheme 2023. Collection method: clinical testing. Allele origin: germline.